The following is an entry in ClinVar:

NM_001415.4(EIF2S3):c.912T>C (p.Asp304=)

Gene: EIF2S3 (eukaryotic translation initiation factor 2 subunit gamma; plus strand). Cytogenetic location: Xp22.11.
Variant type: single nucleotide variant.
Coding change: c.912T>C on transcript NM_001415.4 (MANE Select); coding-DNA position 912, T replaced by C.
Protein change: p.Asp304=; no amino-acid change (aspartic acid 304 retained).
Molecular consequence: synonymous variant.
Genome position (GRCh38, 1-based): chrX:24,068,008, T>C. VCF-style: chrX-24068008-T-C. GRCh37 (hg19) VCF-style: chrX-24086125-T-C.
Identifiers: ClinVar variation 754046 (VCV000754046.29), dbSNP rs144487129, ClinGen allele CA10370842.

ClinVar aggregate classification (germline): Benign/Likely benign. Review status: criteria provided, multiple submitters, no conflicts (2 of 4 stars). 4 submissions from 4 submitters: Benign (1); Likely benign (1). 2 of the submissions do not count toward it. Last evaluated 2026-05-01.

Allele frequency attached by ClinVar (database versions not stated): TOPMed 0.00008; ESP Exome Variant Server 0.00009; gnomAD exomes 0.00009 and 0.00013; gnomAD 0.00010 and 0.00011; ExAC 0.00011; 1000 Genomes Project 30x 0.00062; 1000 Genomes Project 0.00079.
gnomAD v4.1: 116 of 1,203,330 alleles (0.0096%); highest among the groups gnomAD compares: Middle Eastern, 0.092%; 2 homozygotes.

Submissions (4):

CeGaT Center for Human Genetics Tuebingen
Classification: Likely benign. Last evaluated: 2026-05-01. Review status: criteria provided, single submitter. Criteria: CeGaT Center For Human Genetics Tuebingen Variant Classification Criteria Version 2. Collection method: clinical testing. Allele origin: germline. Affected: yes. Observed: 2 variant alleles.
Comment: EIF2S3: BP4, BP7, BS2

Labcorp Genetics (formerly Invitae), Labcorp
Classification: Benign. Last evaluated: 2018-09-29. Review status: criteria provided, single submitter. Criteria: Invitae Variant Classification Sherloc (09022015). Collection method: clinical testing. Allele origin: germline.

Clinical Genetics DNA and cytogenetics Diagnostics Lab, Erasmus MC, Erasmus Medical Center
Classification: Likely benign. Review status: no assertion criteria provided. Collection method: clinical testing. Allele origin: germline. Affected: yes. Study: VKGL Data-share Consensus. Not counted in ClinVar's aggregate classification.

Laboratory of Diagnostic Genome Analysis, Leiden University Medical Center (LUMC)
Classification: Likely benign. Review status: no assertion criteria provided. Collection method: clinical testing. Allele origin: germline. Affected: yes. Study: VKGL Data-share Consensus. Not counted in ClinVar's aggregate classification.